The following is an entry in ClinVar:

ClinVar aggregate classification (germline): Uncertain significance. Review status: criteria provided, multiple submitters, no conflicts (2 of 4 stars). 2 submissions from 2 submitters: Uncertain significance (2). Last evaluated 2024-02-20.

Conditions:
Vesicoureteral reflux 2 (VUR2). Identifiers: Orphanet 289365, MedGen C1970483, MONDO:0012573, OMIM 610878.

Allele frequency attached by ClinVar (database versions not stated): gnomAD exomes below 0.00001.
gnomAD v4.1: 1 of 1,613,266 alleles (0.000062%); highest among the groups gnomAD compares: African/African-American, 0.0013%; no homozygotes.

Submissions (2):

Fulgent Genetics
Classification: Uncertain significance for Vesicoureteral reflux 2. Last evaluated: 2024-02-20. Review status: criteria provided, single submitter. Criteria: ACMG Guidelines, 2015. Collection method: clinical testing. Allele origin: germline.

Labcorp Genetics (formerly Invitae), Labcorp
Classification: Uncertain significance. Last evaluated: 2022-08-23. Review status: criteria provided, single submitter. Criteria: Invitae Variant Classification Sherloc (09022015). Collection method: clinical testing. Allele origin: germline.
Comment: Advanced modeling of protein sequence and biophysical properties (such as structural, functional, and spatial information, amino acid conservation, physicochemical variation, residue mobility, and thermodynamic stability) performed at Invitae indicates that this missense variant is not expected to disrupt ROBO2 protein function. In summary, the available evidence is currently insufficient to determine the role of this variant in disease. Therefore, it has been classified as a Variant of Uncertain Significance. This variant has not been reported in the literature in individuals affected with ROBO2-related conditions. This sequence change replaces arginine, which is basic and polar, with glycine, which is neutral and non-polar, at codon 321 of the ROBO2 protein (p.Arg321Gly). This variant is not present in population databases (gnomAD no frequency).

NM_001395656.1(ROBO2):c.973A>G (p.Arg325Gly)

Gene: ROBO2 (roundabout guidance receptor 2; plus strand). Cytogenetic location: 3p12.3.
Variant type: single nucleotide variant.
Coding change: c.973A>G on transcript NM_001395656.1 (MANE Select); coding-DNA position 973, A replaced by G.
Protein change: p.Arg325Gly; replaces arginine 325 with glycine.
Molecular consequence: missense variant. On other transcripts: 5 prime UTR variant (1).
Genome position (GRCh38, 1-based): chr3:77,546,364, A>G. VCF-style: chr3-77546364-A-G. GRCh37 (hg19) VCF-style: chr3-77595515-A-G.
Other names: c.1009A>G, p.Arg337Gly (NM_001128929.3); c.973A>G, p.Arg325Gly (NM_001290039.2, NM_001290040.2, NM_001378202.1); c.-958A>G (NM_001290065.2); c.1021A>G, p.Arg341Gly (NM_001378190.1, NM_001378191.1, NM_001378195.1 and 4 more transcripts); c.1042A>G, p.Arg348Gly (NM_001378192.1, NM_001378194.1, NM_001378198.1 and 2 more transcripts); c.961A>G, p.Arg321Gly (NM_001378193.1, NM_001378197.1, NM_002942.5); c.1030A>G, p.Arg344Gly (NM_001394212.1, NM_001394214.1, NM_001395657.1); short protein forms R325G, R344G, R348G, R341G, R321G, R337G.
Identifiers: ClinVar variation 2007253 (VCV002007253.5), dbSNP rs2548819984, ClinGen allele CA353575683.